The following is an entry in ClinVar:

ClinVar aggregate classification (germline): Uncertain significance. Review status: criteria provided, multiple submitters, no conflicts (2 of 4 stars). 4 submissions from 4 submitters: Uncertain significance (4). Last evaluated 2025-06-02.

Conditions:
Hereditary nonpolyposis colorectal neoplasms. Identifiers: MedGen C0009405, MeSH D003123.
Hereditary cancer-predisposing syndrome. Also called: Hereditary Cancer Syndrome; Neoplastic Syndromes, Hereditary; Hereditary neoplastic syndrome; Tumor predisposition. Identifiers: Orphanet 140162, MedGen C0027672, MeSH D009386, MONDO:0015356.

Allele frequency attached by ClinVar (database versions not stated): TOPMed below 0.00001.
gnomAD v4.1: 3 of 1,614,120 alleles (0.00019%); highest among the groups gnomAD compares: Non-Finnish European, 0.00025%; no homozygotes.

Submissions (4):

Color Diagnostics, LLC DBA Color Health
Classification: Uncertain significance for Hereditary cancer-predisposing syndrome. Last evaluated: 2025-06-02. Review status: criteria provided, single submitter. Criteria: ACMG Guidelines, 2015. Collection method: clinical testing. Allele origin: germline.
Comment: This missense variant replaces threonine with serine at codon 486 of the MSH6 protein. Computational prediction suggests that this variant may have deleterious impact on protein structure and function. To our knowledge, functional studies have not been reported for this variant. This variant has not been reported in individuals affected with MSH6-related disorders in the literature. This variant has not been identified in the general population by the Genome Aggregation Database (gnomAD). The available evidence is insufficient to determine the role of this variant in disease conclusively. Therefore, this variant is classified as a Variant of Uncertain Significance.

Labcorp Genetics (formerly Invitae), Labcorp
Classification: Uncertain significance for Hereditary nonpolyposis colorectal neoplasms. Last evaluated: 2024-10-12. Review status: criteria provided, single submitter. Criteria: Invitae Variant Classification Sherloc (09022015). Collection method: clinical testing. Allele origin: germline.
Comment: This sequence change replaces threonine, which is neutral and polar, with serine, which is neutral and polar, at codon 486 of the MSH6 protein (p.Thr486Ser). This variant is not present in population databases (gnomAD no frequency). This variant has not been reported in the literature in individuals affected with MSH6-related conditions. ClinVar contains an entry for this variant (Variation ID: 142623). Invitae Evidence Modeling of protein sequence and biophysical properties (such as structural, functional, and spatial information, amino acid conservation, physicochemical variation, residue mobility, and thermodynamic stability) has been performed for this missense variant. However, the output from this modeling did not meet the statistical confidence thresholds required to predict the impact of this variant on MSH6 protein function. In summary, the available evidence is currently insufficient to determine the role of this variant in disease. Therefore, it has been classified as a Variant of Uncertain Significance.

Ambry Genetics
Classification: Uncertain significance for Hereditary cancer-predisposing syndrome. Last evaluated: 2024-02-01. Review status: criteria provided, single submitter. Criteria: Ambry Variant Classification Scheme 2023. Collection method: clinical testing. Allele origin: germline.
Comment: The p.T486S variant (also known as c.1457C>G), located in coding exon 4 of the MSH6 gene, results from a C to G substitution at nucleotide position 1457. The threonine at codon 486 is replaced by serine, an amino acid with similar properties. This amino acid position is well conserved in available vertebrate species. In addition, the in silico prediction for this alteration is inconclusive. Based on the available evidence, the clinical significance of this alteration remains unclear.

GeneDx
Classification: Uncertain significance. Last evaluated: 2023-11-15. Review status: criteria provided, single submitter. Criteria: GeneDx Variant Classification Process June 2021. Collection method: clinical testing. Allele origin: germline. Affected: yes.
Comment: Not observed at significant frequency in large population cohorts (gnomAD); In silico analysis supports that this missense variant has a deleterious effect on protein structure/function; Has not been previously published as pathogenic or benign to our knowledge; This variant is associated with the following publications: (PMID: 30675060, 17531815, 21120944)

NM_000179.3(MSH6):c.1457C>G (p.Thr486Ser)

Gene: MSH6 (mutS homolog 6; plus strand). Cytogenetic location: 2p16.3.
Variant type: single nucleotide variant.
Coding change: c.1457C>G on transcript NM_000179.3 (MANE Select); coding-DNA position 1457, C replaced by G.
Protein change: p.Thr486Ser; replaces threonine 486 with serine.
Molecular consequence: missense variant.
Genome position (GRCh38, 1-based): chr2:47,799,440, C>G. VCF-style: chr2-47799440-C-G. GRCh37 (hg19) VCF-style: chr2-48026579-C-G.
Other names: c.1067C>G, p.Thr356Ser (NM_001281492.2); c.551C>G, p.Thr184Ser (NM_001281493.2, NM_001281494.2); short protein forms T486S, T184S, T356S.
Identifiers: ClinVar variation 142623 (VCV000142623.17), dbSNP rs577713548, ClinGen allele CA008660.